The following is an entry in ClinVar:

ClinVar aggregate classification (germline): Uncertain significance (1 of 4 stars; one submission).

Conditions:
Focal segmental glomerulosclerosis 5 (FSGS5). Identifiers: Orphanet 656, MedGen C2750475, MONDO:0013191, OMIM 613237.
Charcot-Marie-Tooth disease dominant intermediate E. Also called: CHARCOT-MARIE-TOOTH NEUROPATHY WITH FOCAL SEGMENTAL GLOMERULONEPHRITIS. Identifiers: Orphanet 93114, MedGen C4302667, MONDO:0013758, OMIM 614455.

gnomAD v4.1: 2 of 1,612,654 alleles (0.00012%); highest among the groups gnomAD compares: Non-Finnish European, 0.00017%; no homozygotes.

Submission:

Labcorp Genetics (formerly Invitae), Labcorp
Classification: Uncertain significance for Charcot-Marie-Tooth disease dominant intermediate E; Focal segmental glomerulosclerosis 5. Last evaluated: 2022-03-05. Review status: criteria provided, single submitter. Criteria: Invitae Variant Classification Sherloc (09022015). Collection method: clinical testing. Allele origin: germline.
Comment: This variant has not been reported in the literature in individuals affected with INF2-related conditions. This variant is not present in population databases (gnomAD no frequency). This sequence change replaces threonine, which is neutral and polar, with isoleucine, which is neutral and non-polar, at codon 215 of the INF2 protein (p.Thr215Ile). In summary, the available evidence is currently insufficient to determine the role of this variant in disease. Therefore, it has been classified as a Variant of Uncertain Significance. Algorithms developed to predict the effect of missense changes on protein structure and function are either unavailable or do not agree on the potential impact of this missense change (SIFT: "Tolerated"; PolyPhen-2: "Possibly Damaging"; Align-GVGD: "Class C0").

NM_022489.4(INF2):c.644C>T (p.Thr215Ile)

Gene: INF2 (inverted formin 2; plus strand). Cytogenetic location: 14q32.33.
Variant type: single nucleotide variant.
Coding change: c.644C>T on transcript NM_022489.4 (MANE Select); coding-DNA position 644, C replaced by T.
Protein change: p.Thr215Ile; replaces threonine 215 with isoleucine.
Molecular consequence: missense variant.
Genome position (GRCh38, 1-based): chr14:104,703,431, C>T. VCF-style: chr14-104703431-C-T. GRCh37 (hg19) VCF-style: chr14-105169768-C-T.
Other names: c.644C>T, p.Thr215Ile (NM_001031714.4, NM_032714.3); short protein forms T215I.
Identifiers: ClinVar variation 2159220 (VCV002159220.4), dbSNP rs2504243817, ClinGen allele CA391213439.
Genomic context (GRCh38, chr14:104,703,431, plus strand): 5'-TCACCCTGCTTAGCGTGATCAACGCCGTCATCTTGGGCCCCGAGGACCTGCGCGCGCGCA[C>T]CCAGCTGCGGAACGAGTTTATCGGTAAGCACCTGCCCTGGGCCGCATGCCCGCTCCTGCC-3'
Protein context (NP_071934.3, residues 205-225): ILGPEDLRAR[Thr215Ile]QLRNEFIGLQ